The following is an entry in ClinVar:

NM_001171613.2(PREPL):c.1289G>C (p.Trp430Ser)

Gene: PREPL (prolyl endopeptidase like; minus strand). Cytogenetic location: 2p21.
Variant type: single nucleotide variant.
Coding change: c.1289G>C on transcript NM_001171613.2 (MANE Select); coding-DNA position 1289, G replaced by C.
Protein change: p.Trp430Ser; replaces tryptophan 430 with serine.
Molecular consequence: missense variant.
Genome position (GRCh38, 1-based): chr2:44,326,902, C>G on the plus strand (G>C on the coding strand, the complement: PREPL is on the minus strand). VCF-style: chr2-44326902-C-G. GRCh37 (hg19) VCF-style: chr2-44554041-C-G.
Other names: c.1370G>C, p.Trp457Ser (NM_001042385.2); c.1358G>C, p.Trp453Ser (NM_001042386.2); c.1556G>C, p.Trp519Ser (NM_001171603.1, NM_001171606.2, NM_001374275.1 and 2 more transcripts); c.1289G>C, p.Trp430Ser (NM_001171617.1, NM_001374277.1); short protein forms W453S, W519S, W430S, W457S.
Identifiers: ClinVar variation 1034515 (VCV001034515.10), dbSNP rs760033510, ClinGen allele CA1641153.

ClinVar aggregate classification (germline): Uncertain significance. Review status: criteria provided, multiple submitters, no conflicts (2 of 4 stars). 2 submissions from 2 submitters: Uncertain significance (2). Last evaluated 2023-12-21.

Conditions:
Myasthenic syndrome, congenital, 22 (CMS22). Also called: PREPL DEFICIENCY. Identifiers: MedGen C4479088, MONDO:0044299, OMIM 616224.
Inborn genetic diseases. Identifiers: MedGen C0950123, MeSH D030342.

Allele frequency attached by ClinVar (database versions not stated): TOPMed 0.00002; gnomAD exomes 0.00003 and 0.00006; gnomAD 0.00005 and 0.00006; ExAC 0.00010.
gnomAD v4.1: 46 of 1,613,936 alleles (0.0029%); highest among the groups gnomAD compares: Non-Finnish European, 0.0032%; no homozygotes.

Submissions (2):

Labcorp Genetics (formerly Invitae), Labcorp
Classification: Uncertain significance for Myasthenic syndrome, congenital, 22. Last evaluated: 2023-12-21. Review status: criteria provided, single submitter. Criteria: Invitae Variant Classification Sherloc (09022015). Collection method: clinical testing. Allele origin: germline.
Comment: This sequence change replaces tryptophan, which is neutral and slightly polar, with serine, which is neutral and polar, at codon 519 of the PREPL protein (p.Trp519Ser). This variant is present in population databases (rs760033510, gnomAD 0.01%). This variant has not been reported in the literature in individuals affected with PREPL-related conditions. ClinVar contains an entry for this variant (Variation ID: 1034515). Advanced modeling of protein sequence and biophysical properties (such as structural, functional, and spatial information, amino acid conservation, physicochemical variation, residue mobility, and thermodynamic stability) performed at Invitae indicates that this missense variant is expected to disrupt PREPL protein function with a positive predictive value of 80%. In summary, the available evidence is currently insufficient to determine the role of this variant in disease. Therefore, it has been classified as a Variant of Uncertain Significance.

Ambry Genetics
Classification: Uncertain significance for Inborn genetic diseases. Last evaluated: 2023-03-21. Review status: criteria provided, single submitter. Criteria: Ambry Variant Classification Scheme 2023. Collection method: clinical testing. Allele origin: germline.